The following is an entry in ClinVar:

ClinVar aggregate classification (germline): Uncertain significance. Review status: criteria provided, multiple submitters, no conflicts (2 of 4 stars). 3 submissions from 3 submitters: Uncertain significance (2). 1 of the submissions does not count toward it. Last evaluated 2024-09-01.

Conditions:
Cardiomyopathy (CMYO). Also called: Cardiomyopathies. Identifiers: Orphanet 167848, MedGen C0878544, MONDO:0004994, HP:0001638. Inheritance: Various modes of inheritance.
Arrhythmogenic right ventricular dysplasia 9 (ARVD9). Also called: Arrhythmogenic Right Ventricular Dysplasia/Cardiomyopathy 9; ARRHYTHMOGENIC RIGHT VENTRICULAR DYSPLASIA, FAMILIAL, 9. Identifiers: MedGen C1836906, MONDO:0012180, OMIM 609040.

Allele frequency attached by ClinVar (database versions not stated): gnomAD exomes below 0.00001 and 0.00001; gnomAD 0.00001; TOPMed 0.00002.
gnomAD v4.1: 8 of 1,566,388 alleles (0.00051%); highest among the groups gnomAD compares: South Asian, 0.0012%; no homozygotes.

Submissions (3):

CeGaT Center for Human Genetics Tuebingen
Classification: Uncertain significance. Last evaluated: 2024-09-01. Review status: criteria provided, single submitter. Criteria: CeGaT Center For Human Genetics Tuebingen Variant Classification Criteria Version 2. Collection method: clinical testing. Allele origin: germline. Affected: yes. Observed: 1 variant allele.
Comment: TTN: PM2, BP4

CHEO Genetics Diagnostic Laboratory, Children's Hospital of Eastern Ontario
Classification: Uncertain significance for Cardiomyopathy. Last evaluated: 2017-07-14. Review status: criteria provided, single submitter. Criteria: ACMG Guidelines, 2015. Collection method: clinical testing. Allele origin: germline. Study: Canadian Open Genetics Repository.

Institut für Laboratoriums- und Transfusionsmedizin, Herz- und Diabeteszentrum Nordrhein-Westfalen
Classification: Uncertain significance for Arrhythmogenic right ventricular dysplasia 9. Last evaluated: 2016-05-01. Review status: no assertion criteria provided. Collection method: clinical testing. Allele origin: germline. Affected: yes. Observed: 1 variant allele. Not counted in ClinVar's aggregate classification.

NM_001267550.2(TTN):c.68827G>T (p.Ala22943Ser)

Genes: TTN (titin; minus strand), TTN-AS1 (TTN antisense RNA 1; plus strand). Cytogenetic location: 2q31.2.
Variant type: single nucleotide variant.
Coding change: c.68827G>T on transcript NM_001267550.2 (MANE Select); coding-DNA position 68827, G replaced by T.
Protein change: p.Ala22943Ser; replaces alanine 22943 with serine.
Molecular consequence: missense variant.
Genome position (GRCh38, 1-based): chr2:178,577,508, C>A on the plus strand (G>T on the coding strand, the complement: TTN is on the minus strand). VCF-style: chr2-178577508-C-A. GRCh37 (hg19) VCF-style: chr2-179442235-C-A.
Other names: c.68827G>T (LRG_391t1); c.63904G>T, p.Ala21302Ser (NM_001256850.1); c.41632G>T, p.Ala13878Ser (NM_003319.4); c.61123G>T, p.Ala20375Ser (NM_133378.4); c.42007G>T, p.Ala14003Ser (NM_133432.3); c.42208G>T, p.Ala14070Ser (NM_133437.4); short protein forms A22943S, A21302S, A14003S, A13878S, A14070S, A20375S.
Identifiers: ClinVar variation 265830 (VCV000265830.18), dbSNP rs878941853, ClinGen allele CA61004922.